The following is an entry in ClinVar:

ClinVar aggregate classification (germline): Uncertain significance (1 of 4 stars; one submission).

Submission:

Labcorp Genetics (formerly Invitae), Labcorp
Classification: Uncertain significance. Last evaluated: 2021-09-03. Review status: criteria provided, single submitter. Criteria: Invitae Variant Classification Sherloc (09022015). Collection method: clinical testing. Allele origin: germline.
Comment: This variant, c.4027_4029del, results in the deletion of 1 amino acid(s) of the COL2A1 protein (p.Glu1343del), but otherwise preserves the integrity of the reading frame. This variant is not present in population databases (ExAC no frequency). This variant has not been reported in the literature in individuals affected with COL2A1-related conditions. Experimental studies and prediction algorithms are not available or were not evaluated, and the functional significance of this variant is currently unknown. In summary, the available evidence is currently insufficient to determine the role of this variant in disease. Therefore, it has been classified as a Variant of Uncertain Significance.

NM_001844.5(COL2A1):c.4027_4029del (p.Glu1343del)

Gene: COL2A1 (collagen type II alpha 1 chain; minus strand). Cytogenetic location: 12q13.11.
Variant type: Deletion.
Coding change: c.4027_4029del on transcript NM_001844.5 (MANE Select); coding-DNA positions 4027 to 4029, 3 bases deleted (GAG; older notation c.4027_4029delGAG).
Protein change: p.Glu1343del; deletes glutamic acid 1343.
Molecular consequence: inframe deletion.
Genome position (GRCh38, 1-based): chr12:47,974,720-47,974,722, CTC deleted on the plus strand (GAG on the coding strand, the reverse complement: COL2A1 is on the minus strand); deleting any 3 consecutive bases within chr12:47,974,720-47,974,724 gives the same sequence; the c. name uses the placement nearest the transcript's 3' end. VCF-style (leftmost placement, unchanged base first): chr12-47974719-TCTC-T. GRCh37 (hg19) VCF-style: chr12-48368502-TCTC-T.
Other names: c.3820_3822del, p.Glu1274del (NM_033150.3); short protein forms E1274del, E1343del.
Identifiers: ClinVar variation 1517143 (VCV001517143.6), dbSNP rs2136508179, ClinGen allele CA2573148584.
Genomic context (GRCh38, chr12:47,974,719, plus strand): 5'-GCACCCAGGTACTCACATGGAAGCCACCATTGATGGTTTCTCCAAACCAGATGTGTTTCT[TCTC>T]CTTGCTCTTGCTGCTCCACCAGTTCTTCTTGGGAACGTTTGCTGGATTGGGGTAGACGCA-3'